The following is an entry in ClinVar:

ClinVar aggregate classification (germline): Uncertain significance (1 of 4 stars; one submission).

Submission:

Ambry Genetics
Classification: Uncertain significance. Last evaluated: 2024-11-22. Review status: criteria provided, single submitter. Criteria: Ambry Variant Classification Scheme 2023. Collection method: clinical testing. Allele origin: germline.
Comment: The p.S1533T variant (also known as c.4597T>A), located in coding exon 19 of the WNK2 gene, results from a T to A substitution at nucleotide position 4597. The serine at codon 1533 is replaced by threonine, an amino acid with similar properties. This amino acid position is conserved. In addition, this alteration is predicted to be tolerated by in silico analysis. Based on the available evidence, the clinical significance of this variant remains unclear.

NM_006648.4(WNK2):c.4597T>A (p.Ser1533Thr)

Gene: WNK2 (WNK lysine deficient protein kinase 2; plus strand). Cytogenetic location: 9q22.31.
Variant type: single nucleotide variant.
Coding change: c.4597T>A on transcript NM_006648.4 (MANE Select); coding-DNA position 4597, T replaced by A.
Protein change: p.Ser1533Thr; replaces serine 1533 with threonine.
Molecular consequence: missense variant.
Genome position (GRCh38, 1-based): chr9:93,289,351, T>A. VCF-style: chr9-93289351-T-A. GRCh37 (hg19) VCF-style: chr9-96051633-T-A.
Other names: c.4708T>A, p.Ser1570Thr (NM_001282394.3); short protein forms S1570T, S1533T.
Identifiers: ClinVar variation 3470325 (VCV003470325.1).